The following is an entry in ClinVar:

NM_004408.4(DNM1):c.1852G>C (p.Ala618Pro)

Gene: DNM1 (dynamin 1; plus strand). Cytogenetic location: 9q34.11.
Variant type: single nucleotide variant.
Coding change: c.1852G>C on transcript NM_004408.4 (MANE Select); coding-DNA position 1852, G replaced by C.
Protein change: p.Ala618Pro; replaces alanine 618 with proline.
Molecular consequence: missense variant.
Genome position (GRCh38, 1-based): chr9:128,247,445, G>C. VCF-style: chr9-128247445-G-C. GRCh37 (hg19) VCF-style: chr9-131009724-G-C.
Other names: c.1852G>C, p.Ala618Pro (NM_001005336.3, NM_001288737.2, NM_001288738.2 and 2 more transcripts); short protein forms A618P.
Identifiers: ClinVar variation 4753696 (VCV004753696.1).

ClinVar aggregate classification (germline): Uncertain significance (1 of 4 stars; one submission).

Conditions:
Developmental and epileptic encephalopathy, 31A. Also called: Epileptic encephalopathy, early infantile, 31; Developmental and epileptic encephalopathy, 31. Identifiers: Orphanet 2382, MedGen C4225357, MONDO:0014598, OMIM 616346.

gnomAD v4.1: 3 of 1,613,710 alleles (0.00019%); highest among the groups gnomAD compares: South Asian, 0.0011%; no homozygotes.

Submission:

Labcorp Genetics (formerly Invitae), Labcorp
Classification: Uncertain significance for Developmental and epileptic encephalopathy, 31A. Last evaluated: 2025-04-27. Review status: criteria provided, single submitter. Criteria: Invitae Variant Classification Sherloc (09022015). Collection method: clinical testing. Allele origin: germline.
Comment: This sequence change replaces alanine, which is neutral and non-polar, with proline, which is neutral and non-polar, at codon 618 of the DNM1 protein (p.Ala618Pro). This variant is not present in population databases (gnomAD no frequency). This variant has not been reported in the literature in individuals affected with DNM1-related conditions. Invitae Evidence Modeling of protein sequence and biophysical properties (such as structural, functional, and spatial information, amino acid conservation, physicochemical variation, residue mobility, and thermodynamic stability) indicates that this missense variant is expected to disrupt DNM1 protein function with a positive predictive value of 80%. In summary, the available evidence is currently insufficient to determine the role of this variant in disease. Therefore, it has been classified as a Variant of Uncertain Significance.